The following is an entry in ClinVar:

ClinVar aggregate classification (germline): Uncertain significance. Review status: criteria provided, multiple submitters, no conflicts (2 of 4 stars). 2 submissions from 2 submitters: Uncertain significance (2). Last evaluated 2023-10-23.

Conditions:
Autosomal dominant limb-girdle muscular dystrophy type 1G (LGMDD3). Also called: Limb-girdle muscular dystrophy, type 1G; MUSCULAR DYSTROPHY, LIMB-GIRDLE, AUTOSOMAL DOMINANT 3. Identifiers: Orphanet 55596, MedGen C1836765, MONDO:0012193, OMIM 609115.

Allele frequency attached by ClinVar (database versions not stated): gnomAD 0.00001; TOPMed 0.00002.

Submissions (2):

Labcorp Genetics (formerly Invitae), Labcorp
Classification: Uncertain significance for Autosomal dominant limb-girdle muscular dystrophy type 1G. Last evaluated: 2023-10-23. Review status: criteria provided, single submitter. Criteria: Invitae Variant Classification Sherloc (09022015). Collection method: clinical testing. Allele origin: germline.
Comment: This sequence change replaces arginine, which is basic and polar, with tryptophan, which is neutral and slightly polar, at codon 56 of the HNRNPDL protein (p.Arg56Trp). The frequency data for this variant in the population databases is considered unreliable, as metrics indicate poor data quality at this position in the gnomAD database. This variant has not been reported in the literature in individuals affected with HNRNPDL-related conditions. An algorithm developed to predict the effect of missense changes on protein structure and function (PolyPhen-2) suggests that this variant is likely to be disruptive. In summary, the available evidence is currently insufficient to determine the role of this variant in disease. Therefore, it has been classified as a Variant of Uncertain Significance.

Women's Health and Genetics/Laboratory Corporation of America, LabCorp
Classification: Uncertain significance. Last evaluated: 2023-10-05. Review status: criteria provided, single submitter. Criteria: LabCorp Variant Classification Summary - May 2015. Collection method: clinical testing. Allele origin: germline.
Comment: Variant summary: HNRPDL c.166C>T (p.Arg56Trp) results in a non-conservative amino acid change in the encoded protein sequence. Three of five in-silico tools predict a benign effect of the variant on protein function. The variant allele was found at a frequency of 1.1e-05 in 93128 control chromosomes. The available data on variant occurrences in the general population are insufficient to allow any conclusion about variant significance. To our knowledge, no occurrence of c.166C>T in individuals affected with Autosomal Dominant Limb-Girdle Muscular Dystrophy Type 1G and no experimental evidence demonstrating its impact on protein function have been reported. No submitters have cited clinical-significance assessments for this variant to ClinVar after 2014. Based on the evidence outlined above, the variant was classified as uncertain significance.

NM_031372.4(HNRNPDL):c.166C>T (p.Arg56Trp)

Gene: HNRNPDL (heterogeneous nuclear ribonucleoprotein D like; minus strand). Cytogenetic location: 4q21.22.
Variant type: single nucleotide variant.
Coding change: c.166C>T on transcript NM_031372.4 (MANE Select); coding-DNA position 166, C replaced by T.
Protein change: p.Arg56Trp; replaces arginine 56 with tryptophan.
Molecular consequence: missense variant. On other transcripts: non-coding transcript variant (1).
Genome position (GRCh38, 1-based): chr4:82,429,525, G>A on the plus strand (C>T on the coding strand, the complement: HNRNPDL is on the minus strand). VCF-style: chr4-82429525-G-A. GRCh37 (hg19) VCF-style: chr4-83350678-G-A.
Other names: c.166C>T, p.Arg56Trp (NM_001207000.1); short protein forms R56W.
Identifiers: ClinVar variation 2637612 (VCV002637612.4), dbSNP rs757775353, ClinGen allele CA100599354.